The following is an entry in ClinVar:

NM_058172.6(ANTXR2):c.*947T>C

Gene: ANTXR2 (ANTXR cell adhesion molecule 2; minus strand). Cytogenetic location: 4q21.21.
Variant type: single nucleotide variant.
Coding change: c.*947T>C on transcript NM_058172.6 (MANE Select); 947 bases downstream of the stop codon, T replaced by C.
Molecular consequence: 3 prime UTR variant.
Genome position (GRCh38, 1-based): chr4:79,906,482, A>G on the plus strand (T>C on the coding strand, the complement: ANTXR2 is on the minus strand). VCF-style: chr4-79906482-A-G. GRCh37 (hg19) VCF-style: chr4-80827636-A-G.
Other names: c.*947T>C (NM_001286780.2, NM_001286781.2).
Identifiers: ClinVar variation 906994 (VCV000906994.4), dbSNP rs114449405, ClinGen allele CA100488538.
Genomic context (GRCh38, chr4:79,906,482, plus strand): 5'-AATTTTAATGCAAAGAGAGTTGCTGGCTTGTGACGCTGAAGAGCCCTTGGAGACTTGAAG[A>G]AAGAAAAAACCCTGAGCGGAAGCTTTGTGGTTACTGCTTCCTTTAAATTAAAAGCAAAAC-3'

ClinVar aggregate classification (germline): Likely benign (1 of 4 stars; one submission).

Conditions:
Hyaline fibromatosis syndrome (HFS). Also called: Hyalinosis, Inherited Systemic; HYALINOSIS, SYSTEMIC. Identifiers: Orphanet 2028, Orphanet 498474, MedGen C5574677, MONDO:0009229, OMIM 228600.

Allele frequency attached by ClinVar (database versions not stated): gnomAD 0.00787 and 0.00763; gnomAD exomes 0.02083; 1000 Genomes Project 30x 0.00250; 1000 Genomes Project 0.00280; TOPMed 0.00560.
gnomAD v4.1: 1,157 of 152,738 alleles (0.76%); highest among the groups gnomAD compares: Non-Finnish European, 1.2%; 7 homozygotes.

Submission:

Illumina Laboratory Services, Illumina
Classification: Likely benign for Hyaline fibromatosis syndrome. Last evaluated: 2018-01-13. Review status: criteria provided, single submitter. Criteria: ICSL Variant Classification Criteria 13 December 2019. Collection method: clinical testing. Allele origin: germline.
Comment: This variant was observed in the ICSL laboratory as part of a predisposition screen in an ostensibly healthy population. It had not been previously curated by ICSL or reported in the Human Gene Mutation Database (HGMD: prior to June 1st, 2018), and was therefore a candidate for classification through an automated scoring system. Utilizing variant allele frequency, disease prevalence and penetrance estimates, and inheritance mode, an automated score was calculated to assess if this variant is too frequent to cause the disease. Based on the score and internal cut-off values, a variant classified as likely benign is not then subjected to further curation. The score for this variant resulted in a classification of likely benign for this disease.